The following is an entry in ClinVar:

NM_017662.5(TRPM6):c.6061C>T (p.Gln2021Ter)

Gene: TRPM6 (transient receptor potential cation channel subfamily M member 6; minus strand). Cytogenetic location: 9q21.13.
Variant type: single nucleotide variant.
Coding change: c.6061C>T on transcript NM_017662.5 (MANE Select); coding-DNA position 6061, C replaced by T.
Protein change: p.Gln2021Ter; replaces glutamine 2021 with a stop codon.
Molecular consequence: nonsense.
Genome position (GRCh38, 1-based): chr9:74,724,621, G>A on the plus strand (C>T on the coding strand, the complement: TRPM6 is on the minus strand). VCF-style: chr9-74724621-G-A. GRCh37 (hg19) VCF-style: chr9-77339537-G-A.
Other names: c.6046C>T, p.Gln2016Ter (NM_001177310.2, NM_001177311.2); short protein forms Q2016*, Q2021*.
Identifiers: ClinVar variation 1946315 (VCV001946315.2), dbSNP rs1390362404, ClinGen allele CA373668982.

ClinVar aggregate classification (germline): Uncertain significance (1 of 4 stars; one submission).

gnomAD v4.1: 11 of 1,614,144 alleles (0.00068%); highest among the groups gnomAD compares: Middle Eastern, 0.033%; no homozygotes.

Submission:

Labcorp Genetics (formerly Invitae), Labcorp
Classification: Uncertain significance. Last evaluated: 2022-03-24. Review status: criteria provided, single submitter. Criteria: Invitae Variant Classification Sherloc (09022015). Collection method: clinical testing. Allele origin: germline.
Comment: This sequence change creates a premature translational stop signal (p.Gln2021*) in the TRPM6 gene. While this is not anticipated to result in nonsense mediated decay, it is expected to disrupt the last 2 amino acid(s) of the TRPM6 protein. This variant is present in population databases (no rsID available, gnomAD 0.003%). This variant has not been reported in the literature in individuals affected with TRPM6-related conditions. Experimental studies and prediction algorithms are not available or were not evaluated, and the functional significance of this variant is currently unknown. In summary, the available evidence is currently insufficient to determine the role of this variant in disease. Therefore, it has been classified as a Variant of Uncertain Significance.